The following is an entry in ClinVar:

ClinVar aggregate classification (germline): Uncertain significance. Review status: criteria provided, single submitter (1 of 4 stars). 2 submissions from 2 submitters: Uncertain significance (1). 1 of the submissions does not count toward it. Last evaluated 2022-10-17.

Conditions:
Cohen syndrome (COH1). Also called: PEPPER SYNDROME; Cutis verticis gyrata, retinitis pigmentosa, and sensorineural deafness. Identifiers: Orphanet 193, MedGen C0265223, MONDO:0008999, OMIM 216550.

Allele frequency attached by ClinVar (database versions not stated): gnomAD exomes below 0.00001 and 0.00001; gnomAD 0.00001; TOPMed 0.00002.
gnomAD v4.1: 11 of 1,613,486 alleles (0.00068%); highest among the groups gnomAD compares: East Asian, 0.022%; no homozygotes.

Submissions (2):

Labcorp Genetics (formerly Invitae), Labcorp
Classification: Uncertain significance for Cohen syndrome. Last evaluated: 2022-10-17. Review status: criteria provided, single submitter. Criteria: Invitae Variant Classification Sherloc (09022015). Collection method: clinical testing. Allele origin: germline.
Comment: This sequence change falls in intron 25 of the VPS13B gene. It does not directly change the encoded amino acid sequence of the VPS13B protein. It affects a nucleotide within the consensus splice site. This variant is present in population databases (no rsID available, gnomAD 0.006%). This variant has not been reported in the literature in individuals affected with VPS13B-related conditions. ClinVar contains an entry for this variant (Variation ID: 951231). Variants that disrupt the consensus splice site are a relatively common cause of aberrant splicing (PMID: 17576681, 9536098). Algorithms developed to predict the effect of sequence changes on RNA splicing suggest that this variant is not likely to affect RNA splicing. In summary, the available evidence is currently insufficient to determine the role of this variant in disease. Therefore, it has been classified as a Variant of Uncertain Significance.

Natera, Inc.
Classification: Uncertain significance for Cohen syndrome. Last evaluated: 2020-04-16. Review status: no assertion criteria provided. Collection method: clinical testing. Allele origin: germline. Not counted in ClinVar's aggregate classification.

Literature cited by the submitters: PubMed 17576681 (cited by Labcorp Genetics (formerly Invitae), Labcorp); PubMed 9536098 (cited by Labcorp Genetics (formerly Invitae), Labcorp).

NM_152564.5(VPS13B):c.3870+5G>A

Gene: VPS13B (vacuolar protein sorting 13 homolog B; plus strand). Cytogenetic location: 8q22.2.
Variant type: single nucleotide variant.
Coding change: c.3870+5G>A on transcript NM_152564.5 (MANE Select); 5 bases into the intron after coding-DNA position 3870, G replaced by A.
Molecular consequence: intron variant.
Genome position (GRCh38, 1-based): chr8:99,481,807, G>A. VCF-style: chr8-99481807-G-A. GRCh37 (hg19) VCF-style: chr8-100494035-G-A.
Other names: c.3870+5G>A (NM_017890.5).
Identifiers: ClinVar variation 951231 (VCV000951231.6), dbSNP rs1183330877, ClinGen allele CA584327537.